The following is an entry in ClinVar:

NM_007294.4(BRCA1):c.3339_3341del (p.Tyr1113_Glu1114delinsTer)

Genes: BRCA1 (BRCA1 DNA repair associated; minus strand), LOC126862571 (BRD4-independent group 4 enhancer GRCh37_chr17:41243136-41244335; plus strand). Cytogenetic location: 17q21.31.
Variant type: Deletion.
Coding change: c.3339_3341del on transcript NM_007294.4 (MANE Select); coding-DNA positions 3339 to 3341, 3 bases deleted (TGA; older notation c.3339_3341delTGA).
Protein change: p.Tyr1113_Glu1114delinsTer.
Molecular consequence: nonsense. On other transcripts: intron variant (137).
Genome position (GRCh38, 1-based): chr17:43,092,190-43,092,192, TCA deleted on the plus strand (TGA on the coding strand, the reverse complement: BRCA1 is on the minus strand); deleting any 3 consecutive bases within chr17:43,092,190-43,092,193 gives the same sequence; the c. name uses the placement nearest the transcript's 3' end. VCF-style (leftmost placement, unchanged base first): chr17-43092189-TTCA-T. GRCh37 (hg19) VCF-style: chr17-41244206-TTCA-T.
Other names: 3458delTGA; c.3195_3197del, p.Tyr1065_Glu1066delinsTer (NM_001407847.1, NM_001407848.1, NM_001407849.1 and 20 more transcripts); c.3198_3200del, p.Tyr1066_Glu1067delinsTer (NM_001407850.1, NM_001407851.1, NM_001407852.1 and 29 more transcripts); c.3126_3128del, p.Tyr1042_Glu1043delinsTer (NM_001407853.1, NM_001407894.1, NM_001407895.1 and 9 more transcripts); c.3339_3341del, p.Tyr1113_Glu1114delinsTer (NM_001407854.1, NM_001407858.1, NM_001407859.1 and 30 more transcripts); c.3336_3338del, p.Tyr1112_Glu1113delinsTer (NM_001407860.1, NM_001407861.1, NM_001407587.1 and 22 more transcripts); c.3138_3140del, p.Tyr1046_Glu1047delinsTer (NM_001407862.1); c.3216_3218del, p.Tyr1072_Glu1073delinsTer (NM_001407863.1, NM_001407919.1, NM_001407937.1 and 19 more transcripts); and 43 more.
Identifiers: ClinVar variation 266357 (VCV000266357.14), dbSNP rs886040117, ClinGen allele CA10589764.
Genomic context (GRCh38, chr17:43,092,189, plus strand): 5'-TTCTAAGTTATCTGAAATCAGATATGGAGAGAAATCTGTATTAACAGTCTGAACTACTTC[TTCA>T]TATTCTTGCTTTTTTATTTCAGGATGCTTACAATTACTTCCAGGAAGACTTTGTTTATAG-3'

ClinVar aggregate classification (germline): Pathogenic. Review status: reviewed by expert panel (3 of 4 stars). 3 submissions from 3 submitters: Pathogenic (1). 2 of the submissions do not count toward it. Last evaluated 2016-10-18.

Conditions:
Hereditary breast ovarian cancer syndrome. Also called: Hereditary breast and ovarian cancer syndrome (HBOC); Breast and ovarian cancer; Hereditary breast and ovarian cancer syndrome; Hereditary breast and ovarian cancer; BRCA1- and BRCA2-Associated Hereditary Breast and Ovarian Cancer; Hereditary breast and/or ovarian cancer syndrome. Identifiers: Orphanet 145, MedGen C0677776, MeSH D061325, MONDO:0003582. Disease mechanism: loss of function.
Breast-ovarian cancer, familial, susceptibility to, 1 (BROVCA1). Also called: BRCA1 Hereditary Breast and Ovarian Cancer; OVARIAN CANCER, SUSCEPTIBILITY TO. Identifiers: Orphanet 145, MedGen C2676676, MONDO:0011450, OMIM 604370. Disease mechanism: loss of function.

Submissions (3):

Evidence-based Network for the Interpretation of Germline Mutant Alleles (ENIGMA)
Classification: Pathogenic for Breast-ovarian cancer, familial, susceptibility to, 1. Last evaluated: 2016-10-18. Review status: reviewed by expert panel. Criteria: ENIGMA BRCA1/2 Classification Criteria (2015). Collection method: curation. Allele origin: germline.
Comment: Variant allele predicted to encode a truncated non-functional protein.

Labcorp Genetics (formerly Invitae), Labcorp
Classification: Pathogenic for Hereditary breast ovarian cancer syndrome. Last evaluated: 2020-01-23. Review status: criteria provided, single submitter. Criteria: Invitae Variant Classification Sherloc (09022015). Collection method: clinical testing. Allele origin: germline. Not counted in ClinVar's aggregate classification.
Comment: Loss-of-function variants in BRCA1 are known to be pathogenic (PMID: 20104584). For these reasons, this variant has been classified as Pathogenic. This variant has been observed in individual(s) with a personal or family history of breast and/or ovarian cancer (PMID: 27553291, 29446198, 22762150). ClinVar contains an entry for this variant (Variation ID: 266357). This variant is not present in population databases (ExAC no frequency). This sequence change creates a premature translational stop signal (p.Tyr1113*) in the BRCA1 gene. It is expected to result in an absent or disrupted protein product.

Consortium of Investigators of Modifiers of BRCA1/2 (CIMBA), c/o University of Cambridge
Classification: Pathogenic for Breast-ovarian cancer, familial, susceptibility to, 1. Last evaluated: 2015-10-02. Review status: criteria provided, single submitter. Criteria: CIMBA Mutation Classification guidelines May 2016. Collection method: clinical testing. Allele origin: germline. Not counted in ClinVar's aggregate classification.

Literature cited by the submitters: PubMed 20104584 (cited by Labcorp Genetics (formerly Invitae), Labcorp); PubMed 27553291 (cited by Labcorp Genetics (formerly Invitae), Labcorp); PubMed 29446198 (cited by Labcorp Genetics (formerly Invitae), Labcorp); PubMed 22762150 (cited by Labcorp Genetics (formerly Invitae), Labcorp).